The following is an entry in ClinVar:

NM_001367624.2(ZNF469):c.10255G>A (p.Ala3419Thr)

Gene: ZNF469 (zinc finger protein 469; plus strand). Cytogenetic location: 16q24.2.
Variant type: single nucleotide variant.
Coding change: c.10255G>A on transcript NM_001367624.2 (MANE Select); coding-DNA position 10255, G replaced by A.
Protein change: p.Ala3419Thr; replaces alanine 3419 with threonine.
Molecular consequence: missense variant.
Genome position (GRCh38, 1-based): chr16:88,437,725, G>A. VCF-style: chr16-88437725-G-A. GRCh37 (hg19) VCF-style: chr16-88504133-G-A.
Other names: NM_001127464.1:c.10171G>A; short protein forms A3419T.
Identifiers: ClinVar variation 3258236 (VCV003258236.1).

ClinVar aggregate classification (germline): Uncertain significance (1 of 4 stars; one submission).

Conditions:
Cardiovascular phenotype. Identifiers: MedGen CN230736.

gnomAD v4.1: 5 of 1,549,708 alleles (0.00032%); highest among the groups gnomAD compares: Middle Eastern, 0.017%; no homozygotes.

Submission:

Ambry Genetics
Classification: Uncertain significance for Cardiovascular phenotype. Last evaluated: 2024-04-13. Review status: criteria provided, single submitter. Criteria: Ambry Variant Classification Scheme 2023. Collection method: clinical testing. Allele origin: germline.
Comment: The p.A3391T variant (also known as c.10171G>A), located in coding exon 2 of the ZNF469 gene, results from a G to A substitution at nucleotide position 10171. The alanine at codon 3391 is replaced by threonine, an amino acid with similar properties. This amino acid position is conserved. In addition, this alteration is predicted to be tolerated by in silico analysis. Based on the available evidence, the clinical significance of this variant remains unclear.